The following is an entry in ClinVar:

ClinVar aggregate classification (germline): Uncertain significance (1 of 4 stars; one submission).

Allele frequency attached by ClinVar (database versions not stated): gnomAD 0.00001; TOPMed 0.00001.
gnomAD v4.1: 2 of 1,614,014 alleles (0.00012%); highest among the groups gnomAD compares: Non-Finnish European, 0.00017%; no homozygotes.

Submission:

Labcorp Genetics (formerly Invitae), Labcorp
Classification: Uncertain significance. Last evaluated: 2023-06-12. Review status: criteria provided, single submitter. Criteria: Invitae Variant Classification Sherloc (09022015). Collection method: clinical testing. Allele origin: germline.
Comment: In summary, the available evidence is currently insufficient to determine the role of this variant in disease. Therefore, it has been classified as a Variant of Uncertain Significance. Advanced modeling of protein sequence and biophysical properties (such as structural, functional, and spatial information, amino acid conservation, physicochemical variation, residue mobility, and thermodynamic stability) performed at Invitae indicates that this missense variant is not expected to disrupt TBX20 protein function. This variant has not been reported in the literature in individuals affected with TBX20-related conditions. This variant is not present in population databases (gnomAD no frequency). This sequence change replaces threonine, which is neutral and polar, with alanine, which is neutral and non-polar, at codon 316 of the TBX20 protein (p.Thr316Ala).

NM_001077653.2(TBX20):c.946A>G (p.Thr316Ala)

Gene: TBX20 (T-box transcription factor 20; minus strand). Cytogenetic location: 7p14.2.
Variant type: single nucleotide variant.
Coding change: c.946A>G on transcript NM_001077653.2 (MANE Select); coding-DNA position 946, A replaced by G.
Protein change: p.Thr316Ala; replaces threonine 316 with alanine.
Molecular consequence: missense variant.
Genome position (GRCh38, 1-based): chr7:35,204,527, T>C on the plus strand (A>G on the coding strand, the complement: TBX20 is on the minus strand). VCF-style: chr7-35204527-T-C. GRCh37 (hg19) VCF-style: chr7-35244139-T-C.
Other names: short protein forms T316A.
Identifiers: ClinVar variation 2719814 (VCV002719814.3), dbSNP rs1280163838, ClinGen allele CA367263556.